The following is an entry in ClinVar:

NM_199355.4(ADAMTS18):c.1787C>T (p.Ser596Leu)

Gene: ADAMTS18 (ADAM metallopeptidase with thrombospondin type 1 motif 18; minus strand). Cytogenetic location: 16q23.1.
Variant type: single nucleotide variant.
Coding change: c.1787C>T on transcript NM_199355.4 (MANE Select); coding-DNA position 1787, C replaced by T.
Protein change: p.Ser596Leu; replaces serine 596 with leucine.
Molecular consequence: missense variant.
Genome position (GRCh38, 1-based): chr16:77,335,828, G>A on the plus strand (C>T on the coding strand, the complement: ADAMTS18 is on the minus strand). VCF-style: chr16-77335828-G-A. GRCh37 (hg19) VCF-style: chr16-77369725-G-A.
Other names: c.1271C>T, p.Ser424Leu (NM_001326358.2); c.1787C>T (NM_199355.2); short protein forms S424L, S596L.
Identifiers: ClinVar variation 1053441 (VCV001053441.7), dbSNP rs755385795, ClinGen allele CA8181161.

ClinVar aggregate classification (germline): Uncertain significance. Review status: criteria provided, multiple submitters, no conflicts (2 of 4 stars). 2 submissions from 2 submitters: Uncertain significance (2). Last evaluated 2024-12-31.

Conditions:
Inborn genetic diseases. Identifiers: MedGen C0950123, MeSH D030342.

Allele frequency attached by ClinVar (database versions not stated): gnomAD 0.00001; gnomAD exomes 0.00001; TOPMed 0.00001; ExAC 0.00001.
gnomAD v4.1: 7 of 1,614,028 alleles (0.00043%); highest among the groups gnomAD compares: South Asian, 0.0022%; no homozygotes.

Submissions (2):

Ambry Genetics
Classification: Uncertain significance for Inborn genetic diseases. Last evaluated: 2024-12-31. Review status: criteria provided, single submitter. Criteria: Ambry Variant Classification Scheme 2023. Collection method: clinical testing. Allele origin: germline.

Labcorp Genetics (formerly Invitae), Labcorp
Classification: Uncertain significance. Last evaluated: 2022-08-16. Review status: criteria provided, single submitter. Criteria: Invitae Variant Classification Sherloc (09022015). Collection method: clinical testing. Allele origin: germline.
Comment: This sequence change replaces serine, which is neutral and polar, with leucine, which is neutral and non-polar, at codon 596 of the ADAMTS18 protein (p.Ser596Leu). This variant is present in population databases (rs755385795, gnomAD 0.003%). This variant has not been reported in the literature in individuals affected with ADAMTS18-related conditions. ClinVar contains an entry for this variant (Variation ID: 1053441). Algorithms developed to predict the effect of missense changes on protein structure and function are either unavailable or do not agree on the potential impact of this missense change (SIFT: "Not Available"; PolyPhen-2: "Possibly Damaging"; Align-GVGD: "Not Available"). In summary, the available evidence is currently insufficient to determine the role of this variant in disease. Therefore, it has been classified as a Variant of Uncertain Significance.